The following is an entry in ClinVar:

ClinVar aggregate classification (germline): Uncertain significance. Review status: criteria provided, multiple submitters, no conflicts (2 of 4 stars). 2 submissions from 2 submitters: Uncertain significance (2). Last evaluated 2025-10-22.

Conditions:
Immunodeficiency. Identifiers: MedGen C0021051, MONDO:0021094, HP:0002721.

Allele frequency attached by ClinVar (database versions not stated): gnomAD exomes below 0.00001.
gnomAD v4.1: 5 of 1,614,084 alleles (0.00031%); highest among the groups gnomAD compares: Middle Eastern, 0.016%; no homozygotes.

Submissions (2):

Ambry Genetics
Classification: Uncertain significance. Last evaluated: 2025-10-22. Review status: criteria provided, single submitter. Criteria: Ambry Variant Classification Scheme 2023. Collection method: clinical testing. Allele origin: germline.

Labcorp Genetics (formerly Invitae), Labcorp
Classification: Uncertain significance for Immunodeficiency. Last evaluated: 2020-01-08. Review status: criteria provided, single submitter. Criteria: Invitae Variant Classification Sherloc (09022015). Collection method: clinical testing. Allele origin: germline.
Comment: This sequence change replaces arginine with glutamine at codon 126 of the NFAT5 protein (p.Arg126Gln). The arginine residue is highly conserved and there is a small physicochemical difference between arginine and glutamine. This variant is not present in population databases (ExAC no frequency). This variant has not been reported in the literature in individuals with NFAT5-related conditions. Algorithms developed to predict the effect of missense changes on protein structure and function are either unavailable or do not agree on the potential impact of this missense change (SIFT: "Tolerated"; PolyPhen-2: "Probably Damaging"; Align-GVGD: "Class C0"). In summary, the available evidence is currently insufficient to determine the role of this variant in disease. Therefore, it has been classified as a Variant of Uncertain Significance.

NM_138713.4(NFAT5):c.659G>A (p.Arg220Gln)

Gene: NFAT5 (nuclear factor of activated T cells 5; plus strand). Cytogenetic location: 16q22.1.
Variant type: single nucleotide variant.
Coding change: c.659G>A on transcript NM_138713.4 (MANE Select); coding-DNA position 659, G replaced by A.
Protein change: p.Arg220Gln; replaces arginine 220 with glutamine.
Molecular consequence: missense variant. On other transcripts: intron variant (1).
Genome position (GRCh38, 1-based): chr16:69,647,433, G>A. VCF-style: chr16-69647433-G-A. GRCh37 (hg19) VCF-style: chr16-69681336-G-A.
Other names: c.659G>A, p.Arg220Gln (NM_001113178.3); c.605G>A, p.Arg202Gln (NM_006599.4); c.377G>A, p.Arg126Gln (NM_138714.4, NM_173214.3, NM_173215.3); c.140+266G>A (NM_001367709.1); c.659G>A (NM_138713.3); short protein forms R126Q, R202Q, R220Q.
Identifiers: ClinVar variation 1056500 (VCV001056500.10), dbSNP rs1488062932, ClinGen allele CA396486245.